The following is an entry in ClinVar:

ClinVar aggregate classification (germline): Uncertain significance. Review status: criteria provided, multiple submitters, no conflicts (2 of 4 stars). 2 submissions from 2 submitters: Uncertain significance (2). Last evaluated 2026-05-11.

Conditions:
Inborn genetic diseases. Identifiers: MedGen C0950123, MeSH D030342.

Allele frequency attached by ClinVar (database versions not stated): gnomAD exomes 0.00005; TOPMed 0.00008; ESP Exome Variant Server 0.00031; ExAC 0.00010; gnomAD 0.00013 and 0.00014.
gnomAD v4.1: 62 of 1,534,624 alleles (0.004%); highest among the groups gnomAD compares: African/African-American, 0.025%; no homozygotes.

Submissions (2):

Ambry Genetics
Classification: Uncertain significance for Inborn genetic diseases. Last evaluated: 2026-05-11. Review status: criteria provided, single submitter. Criteria: Ambry Variant Classification Scheme 2023. Collection method: clinical testing. Allele origin: germline.

Labcorp Genetics (formerly Invitae), Labcorp
Classification: Uncertain significance. Last evaluated: 2025-10-23. Review status: criteria provided, single submitter. Criteria: Invitae Variant Classification Sherloc (09022015). Collection method: clinical testing. Allele origin: germline.
Comment: This sequence change replaces threonine, which is neutral and polar, with methionine, which is neutral and non-polar, at codon 320 of the PNPT1 protein (p.Thr320Met). This variant is present in population databases (rs200555807, gnomAD 0.03%). This variant has not been reported in the literature in individuals affected with PNPT1-related conditions. ClinVar contains an entry for this variant (Variation ID: 1417351). Invitae Evidence Modeling of protein sequence and biophysical properties (such as structural, functional, and spatial information, amino acid conservation, physicochemical variation, residue mobility, and thermodynamic stability) indicates that this missense variant is not expected to disrupt PNPT1 protein function with a negative predictive value of 80%. In summary, the available evidence is currently insufficient to determine the role of this variant in disease. Therefore, it has been classified as a Variant of Uncertain Significance.

NM_033109.5(PNPT1):c.959C>T (p.Thr320Met)

Gene: PNPT1 (polyribonucleotide nucleotidyltransferase 1; minus strand). Cytogenetic location: 2p16.1.
Variant type: single nucleotide variant.
Coding change: c.959C>T on transcript NM_033109.5 (MANE Select); coding-DNA position 959, C replaced by T.
Protein change: p.Thr320Met; replaces threonine 320 with methionine.
Molecular consequence: missense variant.
Genome position (GRCh38, 1-based): chr2:55,671,336, G>A on the plus strand (C>T on the coding strand, the complement: PNPT1 is on the minus strand). VCF-style: chr2-55671336-G-A. GRCh37 (hg19) VCF-style: chr2-55898471-G-A.
Other names: c.959C>T (NM_033109.3); short protein forms T320M.
Identifiers: ClinVar variation 1417351 (VCV001417351.5), dbSNP rs200555807, ClinGen allele CA1668285.